The following is an entry in ClinVar:

NM_000417.3(IL2RA):c.584-12TC[4]

Gene: IL2RA (interleukin 2 receptor subunit alpha; minus strand). Cytogenetic location: 10p15.1.
Variant type: Microsatellite.
Coding change: c.584-12TC[4] on transcript NM_000417.3 (MANE Select); four copies in a row of the 2-base unit TC starting at c.584-12; the reference has three copies in a row; one copy, 2 bases duplicated.
Molecular consequence: intron variant.
Genome position (GRCh38, 1-based): chr10:6,019,948-6,019,949, GA duplicated on the plus strand (TC on the coding strand, the reverse complement: IL2RA is on the minus strand); duplicating any 2 consecutive bases within chr10:6,019,948-6,019,954 gives the same sequence; the position shown is the placement nearest the transcript's 3' end. VCF-style (leftmost placement, unchanged base first): chr10-6019947-G-GGA. GRCh37 (hg19) VCF-style: chr10-6061910-G-GGA.
Other names: c.368-454TC[4] (NM_001308243.2); c.368-12TC[4] (NM_001308242.2).
Identifiers: ClinVar variation 758467 (VCV000758467.11), dbSNP rs774599486, ClinGen allele CA915945844.
Genomic context (GRCh38, chr10:6,019,947, plus strand): 5'-CAGGAAGTCTCACTCTCAGGACGGCCTTCGGGGCTTGCCTGAGGCTTCTCTTCACCTGGG[G>GGA]GAGAGAGTAAGTGATGCTGGTGGAGCTAAACACAGGAGTCAGGGCCTCACTCCCACCCCG-3'

ClinVar aggregate classification (germline): Likely benign. Review status: criteria provided, multiple submitters, no conflicts (2 of 4 stars). 3 submissions from 3 submitters: Likely benign (2). 1 of the submissions does not count toward it. Last evaluated 2026-01-14.

Conditions:
IL2RA-related disorder. Also called: IL2RA-related condition.
Immunodeficiency due to CD25 deficiency. Also called: IMMUNODEFICIENCY 41 WITH LYMPHOPROLIFERATION AND AUTOIMMUNITY; IL2RA DEFICIENCY; CD25 DEFICIENCY. Identifiers: Orphanet 169100, MedGen C1853392, MONDO:0011664, OMIM 606367.

Submissions (3):

Labcorp Genetics (formerly Invitae), Labcorp
Classification: Likely benign for Immunodeficiency due to CD25 deficiency. Last evaluated: 2026-01-14. Review status: criteria provided, single submitter. Criteria: Invitae Variant Classification Sherloc (09022015). Collection method: clinical testing. Allele origin: germline.

Blueprint Genetics
Classification: Likely benign. Last evaluated: 2023-04-03. Review status: criteria provided, single submitter. Criteria: ACMG Guidelines, 2015. Collection method: clinical testing. Allele origin: germline.

PreventionGenetics, part of Exact Sciences
Classification: Likely benign for IL2RA-related condition. Last evaluated: 2019-07-01. Review status: no assertion criteria provided. Collection method: clinical testing. Allele origin: germline. Not counted in ClinVar's aggregate classification.
Comment: This variant is classified as likely benign based on ACMG/AMP sequence variant interpretation guidelines (Richards et al. 2015 PMID: 25741868, with internal and published modifications).